The following is an entry in ClinVar:

NM_001613.4(ACTA2):c.629T>A (p.Ile210Asn)

Genes: ACTA2 (actin alpha 2, smooth muscle; minus strand), ACTA2-AS1 (ACTA2 antisense RNA 1; plus strand). Cytogenetic location: 10q23.31.
Variant type: single nucleotide variant.
Coding change: c.629T>A on transcript NM_001613.4 (MANE Select); coding-DNA position 629, T replaced by A.
Protein change: p.Ile210Asn; replaces isoleucine 210 with asparagine.
Molecular consequence: missense variant. On other transcripts: non-coding transcript variant (1).
Genome position (GRCh38, 1-based): chr10:88,939,686, A>T on the plus strand (T>A on the coding strand, the complement: ACTA2 is on the minus strand). VCF-style: chr10-88939686-A-T. GRCh37 (hg19) VCF-style: chr10-90699443-A-T.
Other names: c.629T>A, p.Ile210Asn (NM_001141945.3, NM_001320855.2, NM_001406462.1 and 2 more transcripts); c.518T>A, p.Ile173Asn (NM_001406466.1); c.500T>A, p.Ile167Asn (NM_001406467.1, NM_001406468.1, NM_001406469.1); short protein forms I210N, I173N, I167N.
Identifiers: ClinVar variation 388402 (VCV000388402.4), dbSNP rs1057523093, ClinGen allele CA16605728.

ClinVar aggregate classification (germline): Uncertain significance (1 of 4 stars; one submission).

Submission:

GeneDx
Classification: Uncertain significance. Last evaluated: 2018-05-11. Review status: criteria provided, single submitter. Criteria: GeneDx Variant Classification (06012015). Collection method: clinical testing. Allele origin: germline. Affected: yes.
Comment: A novel variant of uncertain significance has been identified in the ACTA2 gene. The I210N variant has not been published as a pathogenic variant, nor has it been reported as a benign variant to our knowledge. It was not observed in approximately 6,500 individuals of European and African American ancestry in the NHLBI Exome Sequencing Project, indicating it is not a common benign variant in these populations. Furthermore, the I210N variant is a non-conservative amino acid substitution, which is likely to impact secondary protein structure as these residues differ in polarity, charge, size and/or other properties. Moreover, this substitution occurs at a position that is conserved across species, and in silico analysis predicts this variant is probably damaging to the protein structure/function.Nonetheless, additional evidence is needed to determine whether this variant is pathogenic or benign.